The following is an entry in ClinVar:

ClinVar aggregate classification (germline): Uncertain significance. Review status: criteria provided, multiple submitters, no conflicts (2 of 4 stars). 2 submissions from 2 submitters: Uncertain significance (2). Last evaluated 2026-01-21.

Conditions:
Inborn genetic diseases. Identifiers: MedGen C0950123, MeSH D030342.

Allele frequency attached by ClinVar (database versions not stated): TOPMed below 0.00001; gnomAD 0.00001; ExAC 0.00002; gnomAD exomes 0.00002.
gnomAD v4.1: 29 of 1,612,956 alleles (0.0018%); highest among the groups gnomAD compares: Middle Eastern, 0.033%; no homozygotes.

Submissions (2):

Labcorp Genetics (formerly Invitae), Labcorp
Classification: Uncertain significance. Last evaluated: 2026-01-21. Review status: criteria provided, single submitter. Criteria: Invitae Variant Classification Sherloc (09022015). Collection method: clinical testing. Allele origin: germline.
Comment: This sequence change replaces isoleucine, which is neutral and non-polar, with valine, which is neutral and non-polar, at codon 115 of the NARS2 protein (p.Ile115Val). This variant is present in population databases (rs760247327, gnomAD 0.002%). This variant has not been reported in the literature in individuals affected with NARS2-related conditions. ClinVar contains an entry for this variant (Variation ID: 2378180). Invitae Evidence Modeling of protein sequence and biophysical properties (such as structural, functional, and spatial information, amino acid conservation, physicochemical variation, residue mobility, and thermodynamic stability) indicates that this missense variant is not expected to disrupt NARS2 protein function with a negative predictive value of 80%. In summary, the available evidence is currently insufficient to determine the role of this variant in disease. Therefore, it has been classified as a Variant of Uncertain Significance.

Ambry Genetics
Classification: Uncertain significance for Inborn genetic diseases. Last evaluated: 2021-06-18. Review status: criteria provided, single submitter. Criteria: Ambry Variant Classification Scheme 2023. Collection method: clinical testing. Allele origin: germline.

NM_024678.6(NARS2):c.343A>G (p.Ile115Val)

Gene: NARS2 (asparaginyl-tRNA synthetase 2, mitochondrial; minus strand). Cytogenetic location: 11q14.1.
Variant type: single nucleotide variant.
Coding change: c.343A>G on transcript NM_024678.6 (MANE Select); coding-DNA position 343, A replaced by G.
Protein change: p.Ile115Val; replaces isoleucine 115 with valine.
Molecular consequence: missense variant. On other transcripts: 5 prime UTR variant (1).
Genome position (GRCh38, 1-based): chr11:78,568,661, T>C on the plus strand (A>G on the coding strand, the complement: NARS2 is on the minus strand). VCF-style: chr11-78568661-T-C. GRCh37 (hg19) VCF-style: chr11-78279707-T-C.
Other names: c.-339A>G (NM_001243251.2); short protein forms I115V.
Identifiers: ClinVar variation 2378180 (VCV002378180.3), dbSNP rs760247327, ClinGen allele CA6205879.